The following is an entry in ClinVar:

ClinVar aggregate classification (germline): Uncertain significance (1 of 4 stars; one submission).

Conditions:
Hereditary cancer-predisposing syndrome. Also called: Neoplastic Syndromes, Hereditary; Tumor predisposition; Hereditary Cancer Syndrome; Hereditary neoplastic syndrome. Identifiers: Orphanet 140162, MedGen C0027672, MeSH D009386, MONDO:0015356.

Submission:

Ambry Genetics
Classification: Uncertain significance for Hereditary cancer-predisposing syndrome. Last evaluated: 2022-03-04. Review status: criteria provided, single submitter. Criteria: Ambry Variant Classification Scheme 2023. Collection method: clinical testing. Allele origin: germline.
Comment: The p.E640G variant (also known as c.1919A>G), located in coding exon 15 of the BAP1 gene, results from an A to G substitution at nucleotide position 1919. The glutamic acid at codon 640 is replaced by glycine, an amino acid with similar properties. This amino acid position is conserved. In addition, this alteration is predicted to be deleterious by in silico analysis. Since supporting evidence is limited at this time, the clinical significance of this alteration remains unclear.

NM_004656.4(BAP1):c.1919A>G (p.Glu640Gly)

Gene: BAP1 (BRCA1 associated deubiquitinase 1; minus strand). Cytogenetic location: 3p21.1.
Variant type: single nucleotide variant.
Coding change: c.1919A>G on transcript NM_004656.4 (MANE Select); coding-DNA position 1919, A replaced by G.
Protein change: p.Glu640Gly; replaces glutamic acid 640 with glycine.
Molecular consequence: missense variant.
Genome position (GRCh38, 1-based): chr3:52,402,843, T>C on the plus strand (A>G on the coding strand, the complement: BAP1 is on the minus strand). VCF-style: chr3-52402843-T-C. GRCh37 (hg19) VCF-style: chr3-52436859-T-C.
Other names: c.1865A>G, p.Glu622Gly (NM_001410772.1); short protein forms E640G, E622G.
Identifiers: ClinVar variation 1782613 (VCV001782613.2), dbSNP rs2153226322, ClinGen allele CA353096789.